The following is an entry in ClinVar:

ClinVar aggregate classification (germline): Benign. Review status: criteria provided, multiple submitters, no conflicts (2 of 4 stars). 8 submissions from 8 submitters: Benign (8). Last evaluated 2026-01-28.

Conditions:
Erythrokeratodermia variabilis et progressiva 1 (EKVP1). Also called: ERYTHROKERATODERMIA FIGURATA, CONGENITAL FAMILIAL, IN PLAQUES; ERYTHROKERATODERMIA VARIABILIS WITH ERYTHEMA GYRATUM REPENS; ERYTHROKERATODERMIA, PROGRESSIVE SYMMETRIC. Identifiers: Orphanet 317, MedGen C4551486, MONDO:0033010, OMIM 133200.

Allele frequency attached by ClinVar (database versions not stated): gnomAD exomes 0.00794; ExAC 0.00971; gnomAD 0.02613 and 0.02796; TOPMed 0.02964; ESP Exome Variant Server 0.03014; 1000 Genomes Project 0.03574; 1000 Genomes Project 30x 0.03685.
gnomAD v4.1: 8,704 of 1,613,878 alleles (0.54%); highest among the groups gnomAD compares: African/African-American, 9.1%; 350 homozygotes.

Submissions (8):

Labcorp Genetics (formerly Invitae), Labcorp
Classification: Benign. Last evaluated: 2026-01-28. Review status: criteria provided, single submitter. Criteria: Invitae Variant Classification Sherloc (09022015). Collection method: clinical testing. Allele origin: germline.

ARUP Laboratories, Molecular Genetics and Genomics, ARUP Laboratories
Classification: Benign. Last evaluated: 2023-11-28. Review status: criteria provided, single submitter. Criteria: ARUP Molecular Germline Variant Investigation Process 2024. Collection method: clinical testing. Allele origin: germline.

Athena Diagnostics
Classification: Benign. Last evaluated: 2018-12-07. Review status: criteria provided, single submitter. Criteria: Athena Diagnostics Criteria. Collection method: clinical testing. Allele origin: germline.

Illumina Laboratory Services, Illumina
Classification: Benign for Erythrokeratodermia variabilis et progressiva 1. Last evaluated: 2018-01-12. Review status: criteria provided, single submitter. Criteria: ICSL Variant Classification Criteria 13 December 2019. Collection method: clinical testing. Allele origin: germline.
Comment: This variant was observed in the ICSL laboratory as part of a predisposition screen in an ostensibly healthy population. It had not been previously curated by ICSL or reported in the Human Gene Mutation Database (HGMD: prior to June 1st, 2018), and was therefore a candidate for classification through an automated scoring system. Utilizing variant allele frequency, disease prevalence and penetrance estimates, and inheritance mode, an automated score was calculated to assess if this variant is too frequent to cause the disease. Based on the score and internal cut-off values, a variant classified as benign is not then subjected to further curation. The score for this variant resulted in a classification of benign for this disease.

GeneDx
Classification: Benign. Last evaluated: 2015-08-26. Review status: criteria provided, single submitter. Criteria: GeneDx Variant Classification (06012015). Collection method: clinical testing. Allele origin: germline. Affected: yes.
Comment: This variant is considered likely benign or benign based on one or more of the following criteria: it is a conservative change, it occurs at a poorly conserved position in the protein, it is predicted to be benign by multiple in silico algorithms, and/or has population frequency not consistent with disease.

Laboratory for Molecular Medicine, Mass General Brigham Personalized Medicine
Classification: Benign. Last evaluated: 2012-05-07. Review status: criteria provided, single submitter. Criteria: LMM Criteria. Collection method: clinical testing. Allele origin: germline. Observed: 11 variant alleles.
Comment: "Pro159Pro in Exon 02 of GJB3: This variant is not expected to have clinical sig nificance because it does not alter an amino acid residue, is not located within the splice consensus sequence, and has been identified in 8.8% (328/3738) of Af rican American chromosomes from a broad population by the NHLBI Exome Sequencing Project (dbSNP rs61732640)."

Breakthrough Genomics
Classification: Benign. Review status: criteria provided, single submitter. Criteria: ACMG Guidelines, 2015. Collection method: not provided. Allele origin: germline. Inheritance: Autosomal dominant inheritance. Affected: yes.

PreventionGenetics, part of Exact Sciences
Classification: Benign. Review status: criteria provided, single submitter. Criteria: ACMG Guidelines, 2015. Collection method: clinical testing. Allele origin: germline.

NM_024009.3(GJB3):c.477G>A (p.Pro159=)

Gene: GJB3 (gap junction protein beta 3; plus strand). Cytogenetic location: 1p34.3.
Variant type: single nucleotide variant.
Coding change: c.477G>A on transcript NM_024009.3 (MANE Select); coding-DNA position 477, G replaced by A.
Protein change: p.Pro159=; no amino-acid change (proline 159 retained).
Molecular consequence: synonymous variant.
Genome position (GRCh38, 1-based): chr1:34,785,239, G>A. VCF-style: chr1-34785239-G-A. GRCh37 (hg19) VCF-style: chr1-35250840-G-A.
Other names: c.477G>A, p.Pro159= (NM_001005752.2).
Identifiers: ClinVar variation 163530 (VCV000163530.29), dbSNP rs61732640, ClinGen allele CA176167.